The following is an entry in ClinVar:

ClinVar aggregate classification (germline): Uncertain significance. Review status: criteria provided, multiple submitters, no conflicts (2 of 4 stars). 4 submissions from 4 submitters: Uncertain significance (4). Last evaluated 2025-11-24.

Conditions:
Polycystic kidney disease 4 (PKD4). Also called: Autosomal Recessive Polycystic Kidney Disease – PKHD1; POLYCYSTIC KIDNEY DISEASE 4 WITH OR WITHOUT POLYCYSTIC LIVER DISEASE; POLYCYSTIC KIDNEY AND HEPATIC DISEASE 1; POLYCYSTIC KIDNEY DISEASE, INFANTILE, TYPE I; PKD3. Identifiers: MedGen C4540575, MONDO:0033004, OMIM 263200.
Inborn genetic diseases. Identifiers: MedGen C0950123, MeSH D030342.

gnomAD v4.1: 16 of 1,613,316 alleles (0.00099%); highest among the groups gnomAD compares: Admixed American, 0.0017%; no homozygotes.

Submissions (4):

Ambry Genetics
Classification: Uncertain significance for Inborn genetic diseases. Last evaluated: 2025-11-24. Review status: criteria provided, single submitter. Criteria: Ambry Variant Classification Scheme 2023. Collection method: clinical testing. Allele origin: germline.

GeneDx
Classification: Uncertain significance. Last evaluated: 2025-07-17. Review status: criteria provided, single submitter. Criteria: GeneDx Variant Classification Process June 2021. Collection method: clinical testing. Allele origin: germline. Affected: yes.
Comment: Not observed at significant frequency in large population cohorts (gnomAD); In silico analysis suggests that this missense variant does not alter protein structure/function; Has not been previously published as pathogenic or benign to our knowledge

Fulgent Genetics
Classification: Uncertain significance for Polycystic kidney disease 4. Last evaluated: 2024-02-29. Review status: criteria provided, single submitter. Criteria: ACMG Guidelines, 2015. Collection method: clinical testing. Allele origin: germline.

Blueprint Genetics
Classification: Uncertain significance. Last evaluated: 2023-09-08. Review status: criteria provided, single submitter. Criteria: ACMG Guidelines, 2015. Collection method: clinical testing. Allele origin: germline.

NM_138694.4(PKHD1):c.6571T>A (p.Ser2191Thr)

Gene: PKHD1 (PKHD1 ciliary IPT domain containing fibrocystin/polyductin; minus strand). Cytogenetic location: 6p12.2.
Variant type: single nucleotide variant.
Coding change: c.6571T>A on transcript NM_138694.4 (MANE Select); coding-DNA position 6571, T replaced by A.
Protein change: p.Ser2191Thr; replaces serine 2191 with threonine.
Molecular consequence: missense variant.
Genome position (GRCh38, 1-based): chr6:51,909,394, A>T on the plus strand (T>A on the coding strand, the complement: PKHD1 is on the minus strand). VCF-style: chr6-51909394-A-T. GRCh37 (hg19) VCF-style: chr6-51774192-A-T.
Other names: c.6571T>A (NM_138694.3); c.6571T>A, p.Ser2191Thr (NM_170724.3); short protein forms S2191T.
Identifiers: ClinVar variation 3593858 (VCV003593858.4).
Genomic context (GRCh38, chr6:51,909,394, plus strand): 5'-GCCCCAAGACTTGAAACTGCACTCCCTTCAACTGGACCTGGCTGGGCTCTTCTGGGAAGG[A>T]CTGAACGATCACTCTGGCTCCCATATCCCTGGATCCTAGCATCTTCTCACTCATGGAATA-3'
Protein context (NP_619639.3, residues 2181-2201): RDMGARVIVQ[Ser2191Thr]FPEEPSQVQL